The following is an entry in ClinVar:

NM_001126108.2(SLC12A3):c.1360G>A (p.Ala454Thr)

Gene: SLC12A3 (solute carrier family 12 member 3; plus strand). Cytogenetic location: 16q13.
Variant type: single nucleotide variant.
Coding change: c.1360G>A on transcript NM_001126108.2 (MANE Select); coding-DNA position 1360, G replaced by A.
Protein change: p.Ala454Thr; replaces alanine 454 with threonine.
Molecular consequence: missense variant.
Genome position (GRCh38, 1-based): chr16:56,879,566, G>A. VCF-style: chr16-56879566-G-A. GRCh37 (hg19) VCF-style: chr16-56913478-G-A.
Other names: c.1360G>A (NM_000339.2); c.1360G>A, p.Ala454Thr (NM_000339.3); c.1357G>A, p.Ala453Thr (NM_001126107.2, NM_001410896.1); short protein forms A453T, A454T.
Identifiers: ClinVar variation 2140488 (VCV002140488.4), dbSNP rs145929729, ClinGen allele CA8069442.

ClinVar aggregate classification (germline): Uncertain significance. Review status: criteria provided, multiple submitters, no conflicts (2 of 4 stars). 3 submissions from 3 submitters: Uncertain significance (3). Last evaluated 2024-10-14.

Conditions:
Familial hypokalemia-hypomagnesemia (GTLMNS). Also called: HYPOMAGNESEMIA-HYPOKALEMIA, PRIMARY RENOTUBULAR, WITH HYPOCALCIURIA; POTASSIUM AND MAGNESIUM DEPLETION; gitelman syndrome. Identifiers: Orphanet 358, MedGen C0268450, MONDO:0009904, OMIM 263800.
Inborn genetic diseases. Identifiers: MedGen C0950123, MeSH D030342.

Allele frequency attached by ClinVar (database versions not stated): ESP Exome Variant Server 0.00008; 1000 Genomes Project 30x 0.00016; TOPMed 0.00026; ExAC 0.00007; gnomAD 0.00017; 1000 Genomes Project 0.00020.
gnomAD v4.1: 64 of 1,613,730 alleles (0.004%); highest among the groups gnomAD compares: Admixed American, 0.045%; no homozygotes.

Submissions (3):

Labcorp Genetics (formerly Invitae), Labcorp
Classification: Uncertain significance. Last evaluated: 2024-10-14. Review status: criteria provided, single submitter. Criteria: Invitae Variant Classification Sherloc (09022015). Collection method: clinical testing. Allele origin: germline.
Comment: This sequence change replaces alanine, which is neutral and non-polar, with threonine, which is neutral and polar, at codon 454 of the SLC12A3 protein (p.Ala454Thr). This variant is present in population databases (rs145929729, gnomAD 0.05%). This variant has not been reported in the literature in individuals affected with SLC12A3-related conditions. ClinVar contains an entry for this variant (Variation ID: 2140488). Invitae Evidence Modeling of protein sequence and biophysical properties (such as structural, functional, and spatial information, amino acid conservation, physicochemical variation, residue mobility, and thermodynamic stability) has been performed for this missense variant. However, the output from this modeling did not meet the statistical confidence thresholds required to predict the impact of this variant on SLC12A3 protein function. In summary, the available evidence is currently insufficient to determine the role of this variant in disease. Therefore, it has been classified as a Variant of Uncertain Significance.

Fulgent Genetics
Classification: Uncertain significance for Familial hypokalemia-hypomagnesemia. Last evaluated: 2024-02-07. Review status: criteria provided, single submitter. Criteria: ACMG Guidelines, 2015. Collection method: clinical testing. Allele origin: germline.

Ambry Genetics
Classification: Uncertain significance for Inborn genetic diseases. Last evaluated: 2021-08-03. Review status: criteria provided, single submitter. Criteria: Ambry Variant Classification Scheme 2023. Collection method: clinical testing. Allele origin: germline.